The following is an entry in ClinVar:

ClinVar aggregate classification (germline): Uncertain significance. Review status: criteria provided, multiple submitters, no conflicts (2 of 4 stars). 3 submissions from 3 submitters: Uncertain significance (3). Last evaluated 2025-06-17.

Conditions:
Hereditary cancer-predisposing syndrome. Also called: Neoplastic Syndromes, Hereditary; Tumor predisposition; Hereditary neoplastic syndrome; Hereditary Cancer Syndrome. Identifiers: Orphanet 140162, MedGen C0027672, MeSH D009386, MONDO:0015356.

Allele frequency attached by ClinVar (database versions not stated): gnomAD exomes below 0.00001; gnomAD 0.00001.
gnomAD v4.1: 3 of 1,613,878 alleles (0.00019%); highest among the groups gnomAD compares: South Asian, 0.0033%; no homozygotes.

Submissions (3):

Ambry Genetics
Classification: Uncertain significance for Hereditary cancer-predisposing syndrome. Last evaluated: 2025-06-17. Review status: criteria provided, single submitter. Criteria: Ambry Variant Classification Scheme 2023. Collection method: clinical testing. Allele origin: germline.
Comment: The p.L453V variant (also known as c.1357C>G), located in coding exon 9 of the FH gene, results from a C to G substitution at nucleotide position 1357. The leucine at codon 453 is replaced by valine, an amino acid with highly similar properties. This amino acid position is highly conserved in available vertebrate species. In addition, this alteration is predicted to be deleterious by in silico analysis. Since supporting evidence is limited at this time, the clinical significance of this alteration remains unclear.

GeneDx
Classification: Uncertain significance. Last evaluated: 2024-10-22. Review status: criteria provided, single submitter. Criteria: GeneDx Variant Classification Process June 2021. Collection method: clinical testing. Allele origin: germline. Affected: yes.
Comment: Not observed at significant frequency in large population cohorts (gnomAD); In silico analysis supports that this missense variant has a deleterious effect on protein structure/function; Has not been previously published as pathogenic or benign to our knowledge

Labcorp Genetics (formerly Invitae), Labcorp
Classification: Uncertain significance. Last evaluated: 2021-12-11. Review status: criteria provided, single submitter. Criteria: Invitae Variant Classification Sherloc (09022015). Collection method: clinical testing. Allele origin: germline.
Comment: This sequence change replaces leucine, which is neutral and non-polar, with valine, which is neutral and non-polar, at codon 453 of the FH protein (p.Leu453Val). This variant is present in population databases (no rsID available, gnomAD 0.003%). This variant has not been reported in the literature in individuals affected with FH-related conditions. Advanced modeling of protein sequence and biophysical properties (such as structural, functional, and spatial information, amino acid conservation, physicochemical variation, residue mobility, and thermodynamic stability) performed at Invitae indicates that this missense variant is expected to disrupt FH protein function. This variant disrupts the p.Leu453 amino acid residue in FH. Other variant(s) that disrupt this residue have been determined to be pathogenic (PMID: 21560188). This suggests that this residue is clinically significant, and that variants that disrupt this residue are likely to be disease-causing. In summary, the available evidence is currently insufficient to determine the role of this variant in disease. Therefore, it has been classified as a Variant of Uncertain Significance.

Literature cited by the submitters: PubMed 21560188 (cited by Labcorp Genetics (formerly Invitae), Labcorp).

NM_000143.4(FH):c.1357C>G (p.Leu453Val)

Gene: FH (fumarate hydratase; minus strand). Cytogenetic location: 1q43.
Variant type: single nucleotide variant.
Coding change: c.1357C>G on transcript NM_000143.4 (MANE Select); coding-DNA position 1357, C replaced by G.
Protein change: p.Leu453Val; replaces leucine 453 with valine.
Molecular consequence: missense variant.
Genome position (GRCh38, 1-based): chr1:241,500,470, G>C on the plus strand (C>G on the coding strand, the complement: FH is on the minus strand). VCF-style: chr1-241500470-G-C. GRCh37 (hg19) VCF-style: chr1-241663770-G-C.
Other names: c.1357C>G (NM_000143.3); short protein forms L453V.
Identifiers: ClinVar variation 1363344 (VCV001363344.7), dbSNP rs1218102979, ClinGen allele CA345436414.
Genomic context (GRCh38, chr1:241,500,470, plus strand): 5'-TGATATTATTATTCCTTAAACACTTACCTATATGAGGATTGAGAGCTGTCACCAACATTA[G>C]AGACTCATTCATCAGCTTGTTGATCCTTTCTGTATTGGCCTGGATTCCCACCACGCAGTT-3'
Protein context (NP_000134.2, residues 443-463): ERINKLMNES[Leu453Val]MLVTALNPHI